The following is an entry in ClinVar:

ClinVar aggregate classification (germline): Uncertain significance (1 of 4 stars; one submission).

Conditions:
Dilated cardiomyopathy 1G (CMD1G). Identifiers: Orphanet 154, MedGen C1858763, MONDO:0011400, OMIM 604145.
Autosomal recessive limb-girdle muscular dystrophy type 2J (LGMDR10). Also called: Limb-girdle muscular dystrophy, type 2J; MUSCULAR DYSTROPHY, LIMB-GIRDLE, AUTOSOMAL RECESSIVE 10. Identifiers: Orphanet 140922, MedGen C1837342, MONDO:0012127, OMIM 608807.

gnomAD v4.1: 2 of 1,613,958 alleles (0.00012%); highest among the groups gnomAD compares: Non-Finnish European, 0.00017%; no homozygotes.

Submission:

Labcorp Genetics (formerly Invitae), Labcorp
Classification: Uncertain significance for Dilated cardiomyopathy 1G; Autosomal recessive limb-girdle muscular dystrophy type 2J. Last evaluated: 2024-10-16. Review status: criteria provided, single submitter. Criteria: Invitae Variant Classification Sherloc (09022015). Collection method: clinical testing. Allele origin: germline.
Comment: This sequence change replaces aspartic acid, which is acidic and polar, with glutamic acid, which is acidic and polar, at codon 34204 of the TTN protein (p.Asp34204Glu). This variant is not present in population databases (gnomAD no frequency). This variant has not been reported in the literature in individuals affected with TTN-related conditions. ClinVar contains an entry for this variant (Variation ID: 1357710). Experimental studies and prediction algorithms are not available or were not evaluated, and the functional significance of this variant is currently unknown. This variant is located in the M band of TTN (PMID: 25589632). Non-truncating variants in this region may be relevant for neuromuscular disorders, but have not been definitively shown to cause cardiomyopathy (PMID: 23975875). In summary, the available evidence is currently insufficient to determine the role of this variant in disease. Therefore, it has been classified as a Variant of Uncertain Significance.

Literature cited by the submitters: PubMed 25589632; PubMed 23975875.

NM_001267550.2(TTN):c.102612T>A (p.Asp34204Glu)

Genes: TTN-AS1 (TTN antisense RNA 1; plus strand), TTN (titin; minus strand). Cytogenetic location: 2q31.2.
Variant type: single nucleotide variant.
Coding change: c.102612T>A on transcript NM_001267550.2 (MANE Select); coding-DNA position 102612, T replaced by A.
Protein change: p.Asp34204Glu; replaces aspartic acid 34204 with glutamic acid.
Molecular consequence: missense variant.
Genome position (GRCh38, 1-based): chr2:178,534,003, A>T on the plus strand (T>A on the coding strand, the complement: TTN is on the minus strand). VCF-style: chr2-178534003-A-T. GRCh37 (hg19) VCF-style: chr2-179398730-A-T.
Other names: c.97689T>A, p.Asp32563Glu (NM_001256850.1); c.75417T>A, p.Asp25139Glu (NM_003319.4); c.94908T>A, p.Asp31636Glu (NM_133378.4); c.75792T>A, p.Asp25264Glu (NM_133432.3); c.75993T>A, p.Asp25331Glu (NM_133437.4); short protein forms D31636E, D25264E, D25331E, D25139E, D32563E, D34204E.
Identifiers: ClinVar variation 1357710 (VCV001357710.6), dbSNP rs2154135586, ClinGen allele CA349417148.
Genomic context (GRCh38, chr2:178,534,003, plus strand): 5'-TAGCTCTGCATAAGAACTGTCTTCACCATAGTCATTGACTACTTTGCATCTGTAGGTACC[A>T]TCATCTAATTTGGTAATGTCTTTGACATAGAGGATGGCCACTCCATCTTCGTAGGTGATT-3'
Protein context (NP_001254479.2, residues 34194-34214): LYVKDITKLD[Asp34204Glu]GTYRCKVVND